The following is an entry in ClinVar:

ClinVar aggregate classification (germline): Benign/Likely benign. Review status: criteria provided, multiple submitters, no conflicts (2 of 4 stars). 4 submissions from 4 submitters: Benign (1); Likely benign (2). 1 of the submissions does not count toward it. Last evaluated 2024-07-12.

Conditions:
BAP1-related disorder. Also called: BAP1-related condition.
Hereditary cancer-predisposing syndrome. Also called: Hereditary Cancer Syndrome; Tumor predisposition; Neoplastic Syndromes, Hereditary; Hereditary neoplastic syndrome. Identifiers: Orphanet 140162, MedGen C0027672, MeSH D009386, MONDO:0015356.
BAP1-related tumor predisposition syndrome (TPDS1). Also called: BAP1 tumor predisposition syndrome; Tumor susceptibility linked to germline BAP1 mutations; TUMOR PREDISPOSITION SYNDROME 1; COMMON Syndrome. Identifiers: Orphanet 289539, MedGen C3280492, MONDO:0013692, OMIM 614327.

Allele frequency attached by ClinVar (database versions not stated): gnomAD exomes below 0.00001 and 0.00001; 1000 Genomes Project 30x 0.00016; 1000 Genomes Project 0.00020.
gnomAD v4.1: 5 of 1,614,164 alleles (0.00031%); highest among the groups gnomAD compares: South Asian, 0.0055%; no homozygotes.

Submissions (4):

Myriad Genetics, Inc.
Classification: Benign for BAP1-related tumor predisposition syndrome. Last evaluated: 2024-07-12. Review status: criteria provided, single submitter. Criteria: Myriad Autosomal Dominant, Autosomal Recessive and X-Linked Classification Criteria (2023). Collection method: clinical testing. Allele origin: unknown.
Comment: This variant is considered benign. This variant is a silent/synonymous amino acid change and it is not expected to impact splicing.

Labcorp Genetics (formerly Invitae), Labcorp
Classification: Likely benign for BAP1-related tumor predisposition syndrome. Last evaluated: 2023-12-24. Review status: criteria provided, single submitter. Criteria: Invitae Variant Classification Sherloc (09022015). Collection method: clinical testing. Allele origin: germline.

Ambry Genetics
Classification: Likely benign for Hereditary cancer-predisposing syndrome. Last evaluated: 2021-04-28. Review status: criteria provided, single submitter. Criteria: Ambry Variant Classification Scheme 2023. Collection method: clinical testing. Allele origin: germline.

PreventionGenetics, part of Exact Sciences
Classification: Likely benign for BAP1-related condition. Last evaluated: 2024-07-12. Review status: no assertion criteria provided. Collection method: clinical testing. Allele origin: germline. Not counted in ClinVar's aggregate classification.
Comment: This variant is classified as likely benign based on ACMG/AMP sequence variant interpretation guidelines (Richards et al. 2015 PMID: 25741868, with internal and published modifications).

NM_004656.4(BAP1):c.459T>C (p.Pro153=)

Gene: BAP1 (BRCA1 associated deubiquitinase 1; minus strand). Cytogenetic location: 3p21.1.
Variant type: single nucleotide variant.
Coding change: c.459T>C on transcript NM_004656.4 (MANE Select); coding-DNA position 459, T replaced by C.
Protein change: p.Pro153=; no amino-acid change (proline 153 retained).
Molecular consequence: synonymous variant.
Genome position (GRCh38, 1-based): chr3:52,407,295, A>G on the plus strand (T>C on the coding strand, the complement: BAP1 is on the minus strand). VCF-style: chr3-52407295-A-G. GRCh37 (hg19) VCF-style: chr3-52441311-A-G.
Other names: c.459T>C (NM_004656.3).
Identifiers: ClinVar variation 1013481 (VCV001013481.19), dbSNP rs536205982, ClinGen allele CA74743757.